The following is an entry in ClinVar:

ClinVar aggregate classification (germline): Uncertain significance (1 of 4 stars; one submission).

Allele frequency attached by ClinVar (database versions not stated): ExAC 0.00002; gnomAD 0.00001; gnomAD exomes 0.00001.
gnomAD v4.1: 11 of 1,613,940 alleles (0.00068%); highest among the groups gnomAD compares: African/African-American, 0.004%; no homozygotes.

Submission:

Labcorp Genetics (formerly Invitae), Labcorp
Classification: Uncertain significance. Last evaluated: 2025-12-16. Review status: criteria provided, single submitter. Criteria: Invitae Variant Classification Sherloc (09022015). Collection method: clinical testing. Allele origin: germline.
Comment: This sequence change replaces tyrosine, which is neutral and polar, with cysteine, which is neutral and slightly polar, at codon 23 of the KLHDC8B protein (p.Tyr23Cys). This variant is present in population databases (rs747102634, gnomAD 0.007%). This variant has not been reported in the literature in individuals affected with KLHDC8B-related conditions. ClinVar contains an entry for this variant (Variation ID: 2906826). An algorithm developed to predict the effect of missense changes on protein structure and function (PolyPhen-2) suggests that this variant is likely to be disruptive. In summary, the available evidence is currently insufficient to determine the role of this variant in disease. Therefore, it has been classified as a Variant of Uncertain Significance.

NM_173546.3(KLHDC8B):c.68A>G (p.Tyr23Cys)

Gene: KLHDC8B (kelch domain containing 8B; plus strand). Cytogenetic location: 3p21.31.
Variant type: single nucleotide variant.
Coding change: c.68A>G on transcript NM_173546.3 (MANE Select); coding-DNA position 68, A replaced by G.
Protein change: p.Tyr23Cys; replaces tyrosine 23 with cysteine.
Molecular consequence: missense variant.
Genome position (GRCh38, 1-based): chr3:49,172,837, A>G. VCF-style: chr3-49172837-A-G. GRCh37 (hg19) VCF-style: chr3-49210270-A-G.
Other names: short protein forms Y23C.
Identifiers: ClinVar variation 2906826 (VCV002906826.3), dbSNP rs747102634, ClinGen allele CA2395425.